The following is an entry in ClinVar:

ClinVar aggregate classification (germline): Uncertain significance (1 of 4 stars; one submission).

Submission:

GeneDx
Classification: Uncertain significance. Last evaluated: 2025-07-24. Review status: criteria provided, single submitter. Criteria: GeneDx Variant Classification Process June 2021. Collection method: clinical testing. Allele origin: germline. Affected: yes.
Comment: Not observed at significant frequency in large population cohorts (gnomAD); In silico analysis supports that this missense variant has a deleterious effect on protein structure/function; Has not been previously published as pathogenic or benign to our knowledge

NM_020732.3:c.3290C>G

Gene: ARID1B (AT-rich interaction domain 1B; plus strand).
Variant type: single nucleotide variant.
Other names: c.3290C>G (NM_020732.3).
Identifiers: ClinVar variation 4687068 (VCV004687068.1).